The following is an entry in ClinVar:

NM_014875.3(KIF14):c.1087G>A (p.Val363Ile)

Gene: KIF14 (kinesin family member 14; minus strand). Cytogenetic location: 1q32.1.
Variant type: single nucleotide variant.
Coding change: c.1087G>A on transcript NM_014875.3 (MANE Select); coding-DNA position 1087, G replaced by A.
Protein change: p.Val363Ile; replaces valine 363 with isoleucine.
Molecular consequence: missense variant. On other transcripts: 5 prime UTR variant (1).
Genome position (GRCh38, 1-based): chr1:200,617,637, C>T on the plus strand (G>A on the coding strand, the complement: KIF14 is on the minus strand). VCF-style: chr1-200617637-C-T. GRCh37 (hg19) VCF-style: chr1-200586765-C-T.
Other names: c.-299G>A (NM_001305792.1); short protein forms V363I.
Identifiers: ClinVar variation 435619 (VCV000435619.52), dbSNP rs77828651, ClinGen allele CA1317914.

ClinVar aggregate classification (germline): Likely benign. Review status: criteria provided, multiple submitters, no conflicts (2 of 4 stars). 7 submissions from 7 submitters: Likely benign (6). 1 of the submissions does not count toward it. Last evaluated 2026-08-01.

Conditions:
Lethal fetal cerebrorenogenitourinary agenesis/hypoplasia syndrome. Also called: Meckel syndrome 12. Identifiers: Orphanet 439897, MedGen C4015701, MONDO:0014552, OMIM 616258.
Microcephaly 20, primary, autosomal recessive. Identifiers: MedGen C4693572, MONDO:0054761, OMIM 617914.
KIF14-related disorder. Also called: KIF14-related condition.

Allele frequency attached by ClinVar (database versions not stated): 1000 Genomes Project 0.00220; ESP Exome Variant Server 0.00231; TOPMed 0.00231; gnomAD 0.00249 and 0.00252; 1000 Genomes Project 30x 0.00250; ExAC 0.00270; gnomAD exomes 0.00295 and 0.00379.
gnomAD v4.1: 5,851 of 1,611,654 alleles (0.36%); highest among the groups gnomAD compares: Non-Finnish European, 0.4%; 18 homozygotes.

Submissions (7):

CeGaT Center for Human Genetics Tuebingen
Classification: Likely benign. Last evaluated: 2026-08-01. Review status: criteria provided, single submitter. Criteria: CeGaT Center For Human Genetics Tuebingen Variant Classification Criteria Version 2. Collection method: clinical testing. Allele origin: germline. Affected: yes. Observed: 21 variant alleles.
Comment: KIF14: BP4, BS2

Labcorp Genetics (formerly Invitae), Labcorp
Classification: Likely benign. Last evaluated: 2026-01-28. Review status: criteria provided, single submitter. Criteria: Invitae Variant Classification Sherloc (09022015). Collection method: clinical testing. Allele origin: germline.

Blueprint Genetics
Classification: Likely benign. Last evaluated: 2024-11-20. Review status: criteria provided, single submitter. Criteria: ACMG Guidelines, 2015. Collection method: clinical testing. Allele origin: germline.

Fulgent Genetics
Classification: Likely benign for Lethal fetal cerebrorenogenitourinary agenesis/hypoplasia syndrome; Microcephaly 20, primary, autosomal recessive. Last evaluated: 2021-09-02. Review status: criteria provided, single submitter. Criteria: ACMG Guidelines, 2015. Collection method: clinical testing. Allele origin: unknown.

Genetic Services Laboratory, University of Chicago
Classification: Likely benign. Last evaluated: 2020-09-11. Review status: criteria provided, single submitter. Criteria: ACMG Guidelines, 2015. Collection method: clinical testing. Allele origin: germline. Affected: no.

Breakthrough Genomics
Classification: Likely benign. Review status: criteria provided, single submitter. Criteria: ACMG Guidelines, 2015. Collection method: not provided. Allele origin: germline. Inheritance: Autosomal recessive inheritance. Affected: yes.

PreventionGenetics, part of Exact Sciences
Classification: Likely benign for KIF14-related condition. Last evaluated: 2019-10-01. Review status: no assertion criteria provided. Collection method: clinical testing. Allele origin: germline. Not counted in ClinVar's aggregate classification.
Comment: This variant is classified as likely benign based on ACMG/AMP sequence variant interpretation guidelines (Richards et al. 2015 PMID: 25741868, with internal and published modifications).